The following is an entry in ClinVar:

ClinVar aggregate classification (germline): Uncertain significance (1 of 4 stars; one submission).

Conditions:
Familial hypercholesterolemia. Also called: Familial hypercholesterolaemia. Identifiers: MedGen C0020445, MONDO:0005439.

Submission:

Color Diagnostics, LLC DBA Color Health
Classification: Uncertain significance for Familial hypercholesterolemia. Last evaluated: 2024-03-06. Review status: criteria provided, single submitter. Criteria: ACMG Guidelines, 2015. Collection method: clinical testing. Allele origin: germline.
Comment: This missense variant replaces serine with arginine at codon 373 of the PCSK9 protein. Computational prediction is inconclusive regarding the impact of this variant on protein structure and function (internally defined REVEL score threshold 0.5 < inconclusive < 0.7, PMID: 27666373). To our knowledge, functional studies have not been reported for this variant. This variant has not been reported in individuals affected with PCSK9-related disorders in the literature. This variant has not been identified in the general population by the Genome Aggregation Database (gnomAD). The available evidence is insufficient to determine the role of this variant in disease conclusively. Therefore, this variant is classified as a Variant of Uncertain Significance.

NM_174936.4(PCSK9):c.1119C>G (p.Ser373Arg)

Gene: PCSK9 (proprotein convertase subtilisin/kexin type 9; plus strand). Cytogenetic location: 1p32.3.
Variant type: single nucleotide variant.
Coding change: c.1119C>G on transcript NM_174936.4 (MANE Select); coding-DNA position 1119, C replaced by G.
Protein change: p.Ser373Arg; replaces serine 373 with arginine.
Molecular consequence: missense variant.
Genome position (GRCh38, 1-based): chr1:55,057,453, C>G. VCF-style: chr1-55057453-C-G. GRCh37 (hg19) VCF-style: chr1-55523126-C-G.
Other names: c.1242C>G, p.Ser414Arg (NM_001407240.1); c.1119C>G, p.Ser373Arg (NM_001407241.1, NM_001407244.1, NM_001407247.1); c.1122C>G, p.Ser374Arg (NM_001407242.1); c.1062C>G, p.Ser354Arg (NM_001407243.1); c.927C>G, p.Ser309Arg (NM_001407245.1); c.744C>G, p.Ser248Arg (NM_001407246.1); short protein forms S373R, S374R, S414R, S248R, S309R, S354R.
Identifiers: ClinVar variation 1332008 (VCV001332008.5), dbSNP rs139683719, ClinGen allele CA340476733.